The following is an entry in ClinVar:

ClinVar aggregate classification (germline): Uncertain significance (1 of 4 stars; one submission).

Allele frequency attached by ClinVar (database versions not stated): gnomAD 0.00001; gnomAD exomes 0.00001; TOPMed 0.00002; ExAC 0.00017.
gnomAD v4.1: 12 of 1,534,260 alleles (0.00078%); highest among the groups gnomAD compares: South Asian, 0.006%; no homozygotes.

Submission:

Labcorp Genetics (formerly Invitae), Labcorp
Classification: Uncertain significance. Last evaluated: 2022-05-25. Review status: criteria provided, single submitter. Criteria: Invitae Variant Classification Sherloc (09022015). Collection method: clinical testing. Allele origin: germline.
Comment: In summary, the available evidence is currently insufficient to determine the role of this variant in disease. Therefore, it has been classified as a Variant of Uncertain Significance. Algorithms developed to predict the effect of missense changes on protein structure and function output the following: SIFT: "Tolerated"; PolyPhen-2: "Benign"; Align-GVGD: "Class C0". The glutamic acid amino acid residue is found in multiple mammalian species, which suggests that this missense change does not adversely affect protein function. This variant has not been reported in the literature in individuals affected with COQ2-related conditions. This variant is present in population databases (rs771000084, gnomAD 0.01%). This sequence change replaces glycine, which is neutral and non-polar, with glutamic acid, which is acidic and polar, at codon 103 of the COQ2 protein (p.Gly103Glu).

NM_001358921.2(COQ2):c.158G>A (p.Gly53Glu)

Genes: COQ2 (coenzyme Q2, polyprenyltransferase; minus strand), LOC112997540 (Sharpr-MPRA regulatory region 13773; plus strand). Cytogenetic location: 4q21.23.
Variant type: single nucleotide variant.
Coding change: c.158G>A on transcript NM_001358921.2 (MANE Select); coding-DNA position 158, G replaced by A.
Protein change: p.Gly53Glu; replaces glycine 53 with glutamic acid.
Molecular consequence: missense variant.
Genome position (GRCh38, 1-based): chr4:83,284,607, C>T on the plus strand (G>A on the coding strand, the complement: COQ2 is on the minus strand). VCF-style: chr4-83284607-C-T. GRCh37 (hg19) VCF-style: chr4-84205760-C-T.
Other names: c.308G>A, p.Gly103Glu (NM_015697.9); short protein forms G53E, G103E.
Identifiers: ClinVar variation 1974731 (VCV001974731.5), dbSNP rs771000084, ClinGen allele CA2988671.